The following is an entry in ClinVar:

NM_000535.7(PMS2):c.2281G>A (p.Val761Ile)

Gene: PMS2 (PMS1 homolog 2, mismatch repair system component; minus strand). Cytogenetic location: 7p22.1.
Variant type: single nucleotide variant.
Coding change: c.2281G>A on transcript NM_000535.7 (MANE Select); coding-DNA position 2281, G replaced by A.
Protein change: p.Val761Ile; replaces valine 761 with isoleucine.
Molecular consequence: missense variant.
Genome position (GRCh38, 1-based): chr7:5,977,752, C>T on the plus strand (G>A on the coding strand, the complement: PMS2 is on the minus strand). VCF-style: chr7-5977752-C-T. GRCh37 (hg19) VCF-style: chr7-6017383-C-T.
Other names: c.2281G>A (NM_000535.6); c.1876G>A, p.Val626Ile (NM_001322003.2, NM_001322004.2, NM_001322005.2); c.2125G>A, p.Val709Ile (NM_001322006.2); c.1963G>A, p.Val655Ile (NM_001322007.2, NM_001322008.2); c.1909G>A, p.Val637Ile (NM_001322009.2); c.1720G>A, p.Val574Ile (NM_001322010.2); c.1348G>A, p.Val450Ile (NM_001322011.2, NM_001322012.2); c.1708G>A, p.Val570Ile (NM_001322013.2); and 2 more; short protein forms V761I, V570I, V637I, V655I, V772I, V450I, V709I, V574I.
Identifiers: ClinVar variation 455698 (VCV000455698.19), dbSNP rs201914670, ClinGen allele CA153220363.
Genomic context (GRCh38, chr7:5,977,752, plus strand): 5'-GGGGTCCGAAGGTCCAGTTTTTACTAGTTGGCAAGGAAATCAGTTTAGCCCTTTCAGTGA[C>T]TGGAGCTAAAAGAATACAATTTTGAGAAAAATCCATGACTTGACAAACACGTTTCACTTG-3'
Protein context (NP_000526.2, residues 751-771): FDFVIDENAP[Val761Ile]TERAKLISLP

ClinVar aggregate classification (germline): Uncertain significance. Review status: criteria provided, multiple submitters, no conflicts (2 of 4 stars). 7 submissions from 7 submitters: Uncertain significance (7). Last evaluated 2025-06-11.

Conditions:
Hereditary nonpolyposis colorectal neoplasms. Identifiers: MedGen C0009405, MeSH D003123.
Hereditary cancer-predisposing syndrome. Also called: Neoplastic Syndromes, Hereditary; Hereditary Cancer Syndrome; Hereditary neoplastic syndrome; Tumor predisposition. Identifiers: Orphanet 140162, MedGen C0027672, MeSH D009386, MONDO:0015356.
Lynch syndrome 4 (LYNCH4). Also called: Colorectal cancer, hereditary nonpolyposis, type 4; Hereditary non-polyposis colorectal cancer, type 4. Identifiers: Orphanet 144, MedGen C1838333, MONDO:0013699, OMIM 614337. Disease mechanism: loss of function.

Allele frequency attached by ClinVar (database versions not stated): gnomAD exomes below 0.00001; TOPMed 0.00001.
gnomAD v4.1: 9 of 1,605,468 alleles (0.00056%); highest among the groups gnomAD compares: Non-Finnish European, 0.00068%; 1 homozygote.

Submissions (7):

Color Diagnostics, LLC DBA Color Health
Classification: Uncertain significance for Hereditary cancer-predisposing syndrome. Last evaluated: 2025-06-11. Review status: criteria provided, single submitter. Criteria: ACMG Guidelines, 2015. Collection method: clinical testing. Allele origin: germline.
Comment: This missense variant replaces valine with isoleucine at codon 761 of the PMS2 protein. Computational prediction suggests that this variant may not impact protein structure and function. To our knowledge, functional studies have not been reported for this variant. This variant has not been reported in individuals affected with PMS2-related disorders in the literature. This variant has been identified in 1/249760 chromosomes in the general population by the Genome Aggregation Database (gnomAD). The available evidence is insufficient to determine the role of this variant in disease conclusively. Therefore, this variant is classified as a Variant of Uncertain Significance.

Labcorp Genetics (formerly Invitae), Labcorp
Classification: Uncertain significance for Hereditary nonpolyposis colorectal neoplasms. Last evaluated: 2025-04-16. Review status: criteria provided, single submitter. Criteria: Invitae Variant Classification Sherloc (09022015). Collection method: clinical testing. Allele origin: germline.
Comment: This sequence change replaces valine, which is neutral and non-polar, with isoleucine, which is neutral and non-polar, at codon 761 of the PMS2 protein (p.Val761Ile). The frequency data for this variant in the population databases (gnomAD) is considered unreliable due to the presence of homologous sequence, such as pseudogenes or paralogs, in the genome. This variant has not been reported in the literature in individuals affected with PMS2-related conditions. ClinVar contains an entry for this variant (Variation ID: 455698). Invitae Evidence Modeling incorporating data from in vitro experimental studies (internal data) indicates that this missense variant is not expected to disrupt PMS2 function with a negative predictive value of 95%. In summary, the available evidence is currently insufficient to determine the role of this variant in disease. Therefore, it has been classified as a Variant of Uncertain Significance.

Ambry Genetics
Classification: Uncertain significance for Hereditary cancer-predisposing syndrome. Last evaluated: 2024-12-05. Review status: criteria provided, single submitter. Criteria: Ambry Variant Classification Scheme 2023. Collection method: clinical testing. Allele origin: germline.
Comment: The p.V761I variant (also known as c.2281G>A), located in coding exon 14 of the PMS2 gene, results from a G to A substitution at nucleotide position 2281. The valine at codon 761 is replaced by isoleucine, an amino acid with highly similar properties. This amino acid position is well conserved in available vertebrate species. In addition, this alteration is predicted to be tolerated by in silico analysis. Based on the available evidence, the clinical significance of this variant remains unclear.

Women's Health and Genetics/Laboratory Corporation of America, LabCorp
Classification: Uncertain significance. Last evaluated: 2024-10-10. Review status: criteria provided, single submitter. Criteria: LabCorp Variant Classification Summary - May 2015. Collection method: clinical testing. Allele origin: germline.
Comment: Variant summary: PMS2 c.2281G>A (p.Val761Ile) results in a conservative amino acid change located in the MutL, C-terminal, dimerisation domain (IPR014790) of the encoded protein sequence. Four of five in-silico tools predict a benign effect of the variant on protein function. The variant allele was found at a frequency of 4e-06 in 249760 control chromosomes. The available data on variant occurrences in the general population are insufficient to allow any conclusion about variant significance. To our knowledge, no occurrence of c.2281G>A in individuals affected with Hereditary Nonpolyposis Colorectal Cancer and no experimental evidence demonstrating its impact on protein function have been reported. ClinVar contains an entry for this variant (Variation ID: 455698). Based on the evidence outlined above, the variant was classified as uncertain significance.

Baylor Genetics
Classification: Uncertain significance for Lynch syndrome 4. Last evaluated: 2024-03-22. Review status: criteria provided, single submitter. Criteria: ACMG Guidelines, 2015. Collection method: clinical testing. Allele origin: unknown.

Blueprint Genetics
Classification: Uncertain significance. Last evaluated: 2024-03-18. Review status: criteria provided, single submitter. Criteria: ACMG Guidelines, 2015. Collection method: clinical testing. Allele origin: germline.

GeneDx
Classification: Uncertain significance. Last evaluated: 2019-10-16. Review status: criteria provided, single submitter. Criteria: GeneDx Variant Classification Process June 2021. Collection method: clinical testing. Allele origin: germline. Affected: yes.
Comment: Not observed at a significant frequency in large population cohorts (Lek 2016); In silico analysis, which includes protein predictors and evolutionary conservation, supports that this variant does not alter protein structure/function; Has not been previously published as pathogenic or benign to our knowledge